The following is an entry in ClinVar:

ClinVar aggregate classification (germline): Uncertain significance (1 of 4 stars; one submission).

Submission:

GeneDx
Classification: Uncertain significance. Last evaluated: 2022-09-13. Review status: criteria provided, single submitter. Criteria: GeneDx Variant Classification Process June 2021. Collection method: clinical testing. Allele origin: germline. Affected: yes.
Comment: Not observed at significant frequency in large population cohorts (gnomAD); In silico analysis supports that this missense variant has a deleterious effect on protein structure/function; Has not been previously published as pathogenic or benign to our knowledge.

NM_001379291.1(BRD4):c.2078C>G (p.Ser693Cys)

Gene: BRD4 (bromodomain containing 4; minus strand). Cytogenetic location: 19p13.12.
Variant type: single nucleotide variant.
Coding change: c.2078C>G on transcript NM_001379291.1 (MANE Select); coding-DNA position 2078, C replaced by G.
Protein change: p.Ser693Cys; replaces serine 693 with cysteine.
Molecular consequence: missense variant.
Genome position (GRCh38, 1-based): chr19:15,254,232, G>C on the plus strand (C>G on the coding strand, the complement: BRD4 is on the minus strand). VCF-style: chr19-15254232-G-C. GRCh37 (hg19) VCF-style: chr19-15365043-G-C.
Other names: c.2078C>G, p.Ser693Cys (NM_001330384.2, NM_001379292.1, NM_014299.3 and 1 more transcripts); short protein forms S693C.
Identifiers: ClinVar variation 2443678 (VCV002443678.1), dbSNP rs2145566066, ClinGen allele CA404516966.